The following is an entry in ClinVar:

NM_001039141.3(TRIOBP):c.3212C>G (p.Pro1071Arg)

Gene: TRIOBP (TRIO and F-actin binding protein; plus strand). Cytogenetic location: 22q13.1.
Variant type: single nucleotide variant.
Coding change: c.3212C>G on transcript NM_001039141.3 (MANE Select); coding-DNA position 3212, C replaced by G.
Protein change: p.Pro1071Arg; replaces proline 1071 with arginine.
Molecular consequence: missense variant.
Genome position (GRCh38, 1-based): chr22:37,725,768, C>G. VCF-style: chr22-37725768-C-G. GRCh37 (hg19) VCF-style: chr22-38121775-C-G.
Other names: short protein forms P1071R.
Identifiers: ClinVar variation 3365907 (VCV003365907.2).

ClinVar aggregate classification (germline): Uncertain significance. Review status: criteria provided, multiple submitters, no conflicts (2 of 4 stars). 2 submissions from 2 submitters: Uncertain significance (2). Last evaluated 2026-01-09.

gnomAD v4.1: 5 of 1,611,244 alleles (0.00031%); highest among the groups gnomAD compares: Admixed American, 0.0083%; no homozygotes.

Submissions (2):

GeneDx
Classification: Uncertain significance. Last evaluated: 2026-01-09. Review status: criteria provided, single submitter. Criteria: GeneDx Variant Classification Process June 2021. Collection method: clinical testing. Allele origin: germline.
Comment: In silico analysis supports that this missense variant has a deleterious effect on protein structure/function; Has not been previously published as pathogenic or benign to our knowledge

Blueprint Genetics
Classification: Uncertain significance. Last evaluated: 2019-06-03. Review status: criteria provided, single submitter. Criteria: ACMG Guidelines, 2015. Collection method: clinical testing. Allele origin: germline.